The following is an entry in ClinVar:

NM_000268.4(NF2):c.811-2A>G

Gene: NF2 (NF2, moesin-ezrin-radixin like (MERLIN) tumor suppressor; plus strand). Cytogenetic location: 22q12.2.
Variant type: single nucleotide variant.
Coding change: c.811-2A>G on transcript NM_000268.4 (MANE Select); the canonical splice acceptor site of the intron before coding-DNA position 811, A replaced by G.
Molecular consequence: splice acceptor variant. On other transcripts: intron variant (1).
Genome position (GRCh38, 1-based): chr22:29,664,988, A>G. VCF-style: chr22-29664988-A-G. GRCh37 (hg19) VCF-style: chr22-30060977-A-G.
Other names: c.811-2A>G (NM_016418.5, NM_181832.3, NM_001407060.1 and 2 more transcripts); c.697-2A>G (NM_001407056.1, NM_001407053.1); c.580-2A>G (NM_001407067.1); c.277-2A>G (NM_001407065.1); c.676-2A>G (NM_001407059.1, NM_001407057.1); c.447+22703A>G (NM_181833.3); c.688-2A>G (NM_001407058.1, NM_181829.3, NM_001407054.1); c.553-2A>G (NM_001407062.1); and 2 more.
Identifiers: ClinVar variation 2746624 (VCV002746624.3), dbSNP rs2518623181, ClinGen allele CA411144517.

ClinVar aggregate classification (germline): Likely pathogenic (1 of 4 stars; one submission).

Conditions:
Neurofibromatosis, type 2 (SWNV). Also called: SCHWANNOMATOSIS, VESTIBULAR; BILATERAL ACOUSTIC NEUROFIBROMATOSIS; NF2-Related Schwannomatosis. Identifiers: Orphanet 637, MedGen C0027832, MONDO:0007039, OMIM 101000. Disease mechanism: loss of function.

Submission:

Labcorp Genetics (formerly Invitae), Labcorp
Classification: Likely pathogenic for Neurofibromatosis, type 2. Last evaluated: 2024-09-23. Review status: criteria provided, single submitter. Criteria: Invitae Variant Classification Sherloc (09022015). Collection method: clinical testing. Allele origin: germline.
Comment: This sequence change affects an acceptor splice site in intron 8 of the NF2 gene. It is expected to disrupt RNA splicing. Variants that disrupt the donor or acceptor splice site typically lead to a loss of protein function (PMID: 16199547), and loss-of-function variants in NF2 are known to be pathogenic (PMID: 9643284, 16983642). This variant is not present in population databases (gnomAD no frequency). This variant has not been reported in the literature in individuals affected with NF2-related conditions. Algorithms developed to predict the effect of sequence changes on RNA splicing suggest that this variant may disrupt the consensus splice site. In summary, the currently available evidence indicates that the variant is pathogenic, but additional data are needed to prove that conclusively. Therefore, this variant has been classified as Likely Pathogenic.

Literature cited by the submitters: PubMed 16199547; PubMed 9643284; PubMed 16983642.